The following is an entry in ClinVar:

ClinVar aggregate classification (germline): Uncertain significance (1 of 4 stars; one submission).

Conditions:
Idiopathic generalized epilepsy. Also called: Generalised epilepsy; EIG. Identifiers: MedGen C0270850, MONDO:0005579, OMIM 600669.
Epilepsy, childhood absence 4 (ECA4). Also called: EPILEPSY, CHILDHOOD ABSENCE, SUSCEPTIBILITY TO, 4. Identifiers: Orphanet 307, MedGen C1970160.
Epilepsy, idiopathic generalized, susceptibility to, 13. Also called: EPILEPSY, JUVENILE MYOCLONIC, SUSCEPTIBILITY TO, 5. Identifiers: Orphanet 307, Orphanet 64280, MedGen C4013473, MONDO:0012627, OMIM 611136.

Allele frequency attached by ClinVar (database versions not stated): TOPMed below 0.00001.

Submission:

Labcorp Genetics (formerly Invitae), Labcorp
Classification: Uncertain significance for Epilepsy, childhood absence 4; Epilepsy, idiopathic generalized, susceptibility to, 13; Idiopathic generalized epilepsy. Last evaluated: 2024-01-19. Review status: criteria provided, single submitter. Criteria: Invitae Variant Classification Sherloc (09022015). Collection method: clinical testing. Allele origin: germline.
Comment: This sequence change replaces glycine, which is neutral and non-polar, with arginine, which is basic and polar, at codon 23 of the GABRA1 protein (p.Gly23Arg). This variant is not present in population databases (gnomAD no frequency). This variant has not been reported in the literature in individuals affected with GABRA1-related conditions. Advanced modeling of protein sequence and biophysical properties (such as structural, functional, and spatial information, amino acid conservation, physicochemical variation, residue mobility, and thermodynamic stability) has been performed at Invitae for this missense variant, however the output from this modeling did not meet the statistical confidence thresholds required to predict the impact of this variant on GABRA1 protein function. In summary, the available evidence is currently insufficient to determine the role of this variant in disease. Therefore, it has been classified as a Variant of Uncertain Significance.

NM_001127644.2(GABRA1):c.67G>A (p.Gly23Arg)

Gene: GABRA1 (gamma-aminobutyric acid type A receptor subunit alpha1; plus strand). Cytogenetic location: 5q34.
Variant type: single nucleotide variant.
Coding change: c.67G>A on transcript NM_001127644.2 (MANE Select); coding-DNA position 67, G replaced by A.
Protein change: p.Gly23Arg; replaces glycine 23 with arginine.
Molecular consequence: missense variant.
Genome position (GRCh38, 1-based): chr5:161,850,877, G>A. VCF-style: chr5-161850877-G-A. GRCh37 (hg19) VCF-style: chr5-161277883-G-A.
Other names: c.67G>A, p.Gly23Arg (NM_000806.5, NM_001127643.2, NM_001127645.2 and 1 more transcripts); short protein forms G23R.
Identifiers: ClinVar variation 2923865 (VCV002923865.3), dbSNP rs1757418419, ClinGen allele CA362181226.
Genomic context (GRCh38, chr5:161,850,877, plus strand): 5'-AAAAGTCCAGGTCTGTCTGACTGTCTTTGGGCCTGGATCCTCCTTCTGAGCACACTGACT[G>A]GAAGAAGGTGGGGACACTTTTTTAAAAATCTGCATGAAAATTTCTGTAACTTTTCATTTA-3'
Protein context (NP_001121116.1, residues 13-33): AWILLLSTLT[Gly23Arg]RSYGQPSLQD